The following is an entry in ClinVar:

ClinVar aggregate classification (germline): Uncertain significance. Review status: criteria provided, multiple submitters, no conflicts (2 of 4 stars). 3 submissions from 3 submitters: Uncertain significance (2). 1 of the submissions does not count toward it. Last evaluated 2023-07-12.

Conditions:
Polycystic kidney disease, adult type (PKD1). Also called: POLYCYSTIC KIDNEY DISEASE 1 WITH OR WITHOUT POLYCYSTIC LIVER DISEASE; Polycystic Kidney Disease 1, Autosomal Dominant; Polycystic kidney disease 1; Polycystic kidney disease 1, severe; Polycystic Kidney, Autosomal Dominant; POLYCYSTIC KIDNEY DISEASE, ADULT, TYPE I. Identifiers: MedGen C3149841, MONDO:0008263, OMIM 173900.
PKD1-related disorder. Also called: PKD1-related condition.
Inborn genetic diseases. Identifiers: MedGen C0950123, MeSH D030342.

Allele frequency attached by ClinVar (database versions not stated): gnomAD 0.00003; TOPMed 0.00008; ExAC 0.00012; 1000 Genomes Project 30x 0.00016; 1000 Genomes Project 0.00020.
gnomAD v4.1: 30 of 1,591,932 alleles (0.0019%); highest among the groups gnomAD compares: East Asian, 0.061%; no homozygotes.

Submissions (3):

Ambry Genetics
Classification: Uncertain significance for Inborn genetic diseases. Last evaluated: 2023-07-12. Review status: criteria provided, single submitter. Criteria: Ambry Variant Classification Scheme 2023. Collection method: clinical testing. Allele origin: germline.

Department of Pathology and Laboratory Medicine, Sinai Health System
Classification: Uncertain significance for Polycystic kidney disease, adult type. Last evaluated: 2018-06-19. Review status: criteria provided, single submitter. Criteria: ACMG Guidelines, 2015. Collection method: clinical testing. Allele origin: germline. Affected: yes.

PreventionGenetics, part of Exact Sciences
Classification: Likely benign for PKD1-related condition. Last evaluated: 2023-07-28. Review status: no assertion criteria provided. Collection method: clinical testing. Allele origin: germline. Not counted in ClinVar's aggregate classification.
Comment: This variant is classified as likely benign based on ACMG/AMP sequence variant interpretation guidelines (Richards et al. 2015 PMID: 25741868, with internal and published modifications).

NM_001009944.3(PKD1):c.5943G>T (p.Glu1981Asp)

Gene: PKD1 (polycystin 1, transient receptor potential channel interacting; minus strand). Cytogenetic location: 16p13.3.
Variant type: single nucleotide variant.
Coding change: c.5943G>T on transcript NM_001009944.3 (MANE Select); coding-DNA position 5943, G replaced by T.
Protein change: p.Glu1981Asp; replaces glutamic acid 1981 with aspartic acid.
Molecular consequence: missense variant.
Genome position (GRCh38, 1-based): chr16:2,109,224, C>A on the plus strand (G>T on the coding strand, the complement: PKD1 is on the minus strand). VCF-style: chr16-2109224-C-A. GRCh37 (hg19) VCF-style: chr16-2159225-C-A.
Other names: c.5943G>T, p.Glu1981Asp (NM_000296.4); short protein forms E1981D.
Identifiers: ClinVar variation 2596042 (VCV002596042.5), dbSNP rs567995837, ClinGen allele CA7831792.